The following is an entry in ClinVar:

NM_001127222.2(CACNA1A):c.6680G>T (p.Arg2227Leu)

Gene: CACNA1A (calcium voltage-gated channel subunit alpha1 A; minus strand). Cytogenetic location: 19p13.13.
Variant type: single nucleotide variant.
Coding change: c.6680G>T on transcript NM_001127222.2 (MANE Select); coding-DNA position 6680, G replaced by T.
Protein change: p.Arg2227Leu; replaces arginine 2227 with leucine.
Molecular consequence: missense variant.
Genome position (GRCh38, 1-based): chr19:13,208,856, C>A on the plus strand (G>T on the coding strand, the complement: CACNA1A is on the minus strand). VCF-style: chr19-13208856-C-A. GRCh37 (hg19) VCF-style: chr19-13319670-C-A.
Other names: p.Arg2228Leu; c.6698G>T, p.Arg2233Leu (NM_000068.4, NM_023035.3); c.6683G>T, p.Arg2228Leu (NM_001127221.2); c.6689G>T, p.Arg2230Leu (NM_001174080.2); short protein forms R2228L, R2233L, R2230L, R2227L.
Identifiers: ClinVar variation 418102 (VCV000418102.44), dbSNP rs1064793075, ClinGen allele CA16620769.
Genomic context (GRCh38, chr19:13,208,856, plus strand): 5'-CGGGACCAGCGCTGGTCCCGAGCCCGTGCCCGGCCGTGGTCCGGCCGTTCCTGGGCATAG[C>A]GGTCCTTGTCGGGGGGCGGGGGATGGTGGTGGTGGTGGTGGTGGTGGTGGTGCTGTCGAT-3'
Protein context (NP_001120694.1, residues 2217-2237): HHHPPPPDKD[Arg2227Leu]YAQERPDHGR

ClinVar aggregate classification (germline): Conflicting classifications of pathogenicity. Review status: criteria provided, conflicting classifications (1 of 4 stars). 6 submissions from 6 submitters: Uncertain significance (4); Likely benign (2). Last evaluated 2025-09-19.

Conditions:
Inborn genetic diseases. Identifiers: MedGen C0950123, MeSH D030342.
Developmental and epileptic encephalopathy, 42 (DEE42A). Also called: DEVELOPMENTAL AND EPILEPTIC ENCEPHALOPATHY 42A; EPILEPTIC ENCEPHALOPATHY, EARLY INFANTILE, 42A; Epileptic encephalopathy, early infantile, 42. Identifiers: MedGen C4310716, MONDO:0014917, OMIM 617106.
Episodic ataxia type 2 (EA2). Also called: ATAXIA, EPISODIC, WITH NYSTAGMUS; ATAXIA, FAMILIAL PAROXYSMAL; CEREBELLAR ATAXIA, PAROXYSMAL, ACETAZOLAMIDE-RESPONSIVE; CEREBELLOPATHY, HEREDITARY PAROXYSMAL; ACETAZOLAMIDE-RESPONSIVE HEREDITARY PAROXYSMAL CEREBELLAR ATAXIA; EPISODIC ATAXIA, NYSTAGMUS-ASSOCIATED. Identifiers: Orphanet 97, MedGen C1720416, MONDO:0007163, OMIM 108500.

Allele frequency attached by ClinVar (database versions not stated): TOPMed 0.00004.
gnomAD v4.1: 110 of 1,438,768 alleles (0.0076%); highest among the groups gnomAD compares: Non-Finnish European, 0.0099%; no homozygotes.

Submissions (6):

Mayo Clinic Laboratories, Mayo Clinic
Classification: Uncertain significance. Last evaluated: 2025-09-19. Review status: criteria provided, single submitter. Criteria: ACMG Guidelines, 2015. Collection method: clinical testing. Allele origin: germline. Observed: 1 variant allele.
Comment: BS2, PP2, PP3

CeGaT Center for Human Genetics Tuebingen
Classification: Likely benign. Last evaluated: 2025-08-01. Review status: criteria provided, single submitter. Criteria: CeGaT Center For Human Genetics Tuebingen Variant Classification Criteria Version 2. Collection method: clinical testing. Allele origin: germline. Affected: yes. Observed: 2 variant alleles.
Comment: CACNA1A: PP3, BS1

Labcorp Genetics (formerly Invitae), Labcorp
Classification: Likely benign for Developmental and epileptic encephalopathy, 42; Episodic ataxia type 2. Last evaluated: 2025-06-29. Review status: criteria provided, single submitter. Criteria: Invitae Variant Classification Sherloc (09022015). Collection method: clinical testing. Allele origin: germline.

Ambry Genetics
Classification: Uncertain significance for Inborn genetic diseases. Last evaluated: 2025-05-21. Review status: criteria provided, single submitter. Criteria: Ambry Variant Classification Scheme 2023. Collection method: clinical testing. Allele origin: germline.

Women's Health and Genetics/Laboratory Corporation of America, LabCorp
Classification: Uncertain significance. Last evaluated: 2025-02-21. Review status: criteria provided, single submitter. Criteria: LabCorp Variant Classification Summary - May 2015. Collection method: clinical testing. Allele origin: germline.
Comment: Variant summary: CACNA1A c.6683G>T (p.Arg2228Leu) results in a non-conservative amino acid change in the encoded protein sequence. Three of five in-silico tools predict a damaging effect of the variant on protein function. The variant allele was found at a frequency of 2.9e-05 in 136374 control chromosomes (gnomAD). The available data on variant occurrences in the general population are insufficient to allow any conclusion about variant significance. To our knowledge, no occurrence of c.6683G>T in individuals affected with Epileptic Encephalopathy, Early Infantile, 42 and no experimental evidence demonstrating its impact on protein function have been reported. ClinVar contains an entry for this variant (Variation ID: 418102). Based on the evidence outlined above, the variant was classified as uncertain significance.

GeneDx
Classification: Uncertain significance. Last evaluated: 2022-03-24. Review status: criteria provided, single submitter. Criteria: GeneDx Variant Classification Process June 2021. Collection method: clinical testing. Allele origin: germline. Affected: yes.
Comment: Has not been previously published as pathogenic or benign to our knowledge; In silico analysis supports that this missense variant has a deleterious effect on protein structure/function